The following is an entry in ClinVar:

ClinVar aggregate classification (germline): Uncertain significance. Review status: criteria provided, multiple submitters, no conflicts (2 of 4 stars). 4 submissions from 4 submitters: Uncertain significance (3). 1 of the submissions does not count toward it. Last evaluated 2025-08-09.

Conditions:
Inborn genetic diseases. Identifiers: MedGen C0950123, MeSH D030342.
MHC class II deficiency. Also called: Bare lymphocyte syndrome 2; BLS, TYPE II. Identifiers: Orphanet 572, MedGen C5447452, MONDO:0008855.
Rheumatoid arthritis (RA). Also called: RHEUMATOID ARTHRITIS, SUSCEPTIBILITY TO. Identifiers: MedGen C0003873, MONDO:0008383, OMIM 180300, HP:0001370.

Allele frequency attached by ClinVar (database versions not stated): gnomAD 0.00001; gnomAD exomes 0.00001 and 0.00002; TOPMed 0.00002; ExAC 0.00003.
gnomAD v4.1: 18 of 1,613,888 alleles (0.0011%); highest among the groups gnomAD compares: African/African-American, 0.0027%; no homozygotes.

Submissions (4):

Ambry Genetics
Classification: Uncertain significance for Inborn genetic diseases. Last evaluated: 2025-08-09. Review status: criteria provided, single submitter. Criteria: Ambry Variant Classification Scheme 2023. Collection method: clinical testing. Allele origin: germline.

Labcorp Genetics (formerly Invitae), Labcorp
Classification: Uncertain significance for MHC class II deficiency. Last evaluated: 2022-01-13. Review status: criteria provided, single submitter. Criteria: Invitae Variant Classification Sherloc (09022015). Collection method: clinical testing. Allele origin: germline.
Comment: This sequence change replaces serine, which is neutral and polar, with leucine, which is neutral and non-polar, at codon 944 of the CIITA protein (p.Ser944Leu). This variant is present in population databases (rs750740701, gnomAD 0.007%). This variant has not been reported in the literature in individuals affected with CIITA-related conditions. ClinVar contains an entry for this variant (Variation ID: 989911). Algorithms developed to predict the effect of missense changes on protein structure and function output the following: SIFT: "Tolerated"; PolyPhen-2: "Benign"; Align-GVGD: "Class C0". The leucine amino acid residue is found in multiple mammalian species, which suggests that this missense change does not adversely affect protein function. In summary, the available evidence is currently insufficient to determine the role of this variant in disease. Therefore, it has been classified as a Variant of Uncertain Significance.

Fulgent Genetics
Classification: Uncertain significance for Rheumatoid arthritis; MHC class II deficiency 1. Last evaluated: 2021-12-08. Review status: criteria provided, single submitter. Criteria: ACMG Guidelines, 2015. Collection method: clinical testing. Allele origin: unknown.

Natera, Inc.
Classification: Uncertain significance for Bare lymphocyte syndrome type II. Last evaluated: 2020-04-24. Review status: no assertion criteria provided. Collection method: clinical testing. Allele origin: germline. Not counted in ClinVar's aggregate classification.

NM_000246.4(CIITA):c.2831C>T (p.Ser944Leu)

Gene: CIITA (class II major histocompatibility complex transactivator; plus strand). Cytogenetic location: 16p13.13.
Variant type: single nucleotide variant.
Coding change: c.2831C>T on transcript NM_000246.4 (MANE Select); coding-DNA position 2831, C replaced by T.
Protein change: p.Ser944Leu; replaces serine 944 with leucine.
Molecular consequence: missense variant. On other transcripts: non-coding transcript variant (1).
Genome position (GRCh38, 1-based): chr16:10,910,202, C>T. VCF-style: chr16-10910202-C-T. GRCh37 (hg19) VCF-style: chr16-11004059-C-T.
Other names: c.2834C>T, p.Ser945Leu (NM_001286402.1, NM_001379332.1); c.1079C>T, p.Ser360Leu (NM_001286403.2); c.2687C>T, p.Ser896Leu (NM_001379330.1); c.2684C>T, p.Ser895Leu (NM_001379331.1); c.2831C>T, p.Ser944Leu (NM_001379333.1); c.2762C>T, p.Ser921Leu (NM_001379334.1); short protein forms S360L, S895L, S896L, S921L, S944L, S945L.
Identifiers: ClinVar variation 989911 (VCV000989911.8), dbSNP rs750740701, ClinGen allele CA7900523.